The following is an entry in ClinVar:

NM_000215.4(JAK3):c.2572C>T (p.Gln858Ter)

Gene: JAK3 (Janus kinase 3; minus strand). Cytogenetic location: 19p13.11.
Variant type: single nucleotide variant.
Coding change: c.2572C>T on transcript NM_000215.4 (MANE Select); coding-DNA position 2572, C replaced by T.
Protein change: p.Gln858Ter; replaces glutamine 858 with a stop codon.
Molecular consequence: nonsense.
Genome position (GRCh38, 1-based): chr19:17,832,627, G>A on the plus strand (C>T on the coding strand, the complement: JAK3 is on the minus strand). VCF-style: chr19-17832627-G-A. GRCh37 (hg19) VCF-style: chr19-17943436-G-A.
Other names: short protein forms Q858*.
Identifiers: ClinVar variation 3637590 (VCV003637590.2).
Genomic context (GRCh38, chr19:17,832,627, plus strand): 5'-GTGCTTTGAGGATCTGAATCTCCCGCTGAAAGTCCCTCTGCTGGTCTGGCCCGCTGTGCT[G>A]CAGCTGTTTCACGGCCACCAGGGCACCTGTATTGTCGCCTAGCGGGTCATAGCGGCACAG-3'

ClinVar aggregate classification (germline): Pathogenic (1 of 4 stars; one submission).

Conditions:
T-B+ severe combined immunodeficiency due to JAK3 deficiency. Also called: SCID, T CELL-NEGATIVE, B CELL-POSITIVE, NK CELL-NEGATIVE; SCID, autosomal recessive, T-negative/B-positive type. Identifiers: Orphanet 35078, MedGen C1833275, MONDO:0010938, OMIM 600802.

gnomAD v4.1: 1 of 1,614,224 alleles (0.000062%); highest among the groups gnomAD compares: African/African-American, 0.0013%; no homozygotes.

Submission:

Labcorp Genetics (formerly Invitae), Labcorp
Classification: Pathogenic for T-B+ severe combined immunodeficiency due to JAK3 deficiency. Last evaluated: 2024-01-31. Review status: criteria provided, single submitter. Criteria: Invitae Variant Classification Sherloc (09022015). Collection method: clinical testing. Allele origin: germline.
Comment: This sequence change creates a premature translational stop signal (p.Gln858*) in the JAK3 gene. It is expected to result in an absent or disrupted protein product. Loss-of-function variants in JAK3 are known to be pathogenic (PMID: 7481768, 11668621). This variant is not present in population databases (gnomAD no frequency). This variant has not been reported in the literature in individuals affected with JAK3-related conditions. For these reasons, this variant has been classified as Pathogenic.

Literature cited by the submitters: PubMed 7481768; PubMed 11668621.